The following is an entry in ClinVar:

NM_015915.5(ATL1):c.1237T>G (p.Phe413Val)

Gene: ATL1 (atlastin GTPase 1; plus strand). Cytogenetic location: 14q22.1.
Variant type: single nucleotide variant.
Coding change: c.1237T>G on transcript NM_015915.5 (MANE Select); coding-DNA position 1237, T replaced by G.
Protein change: p.Phe413Val; replaces phenylalanine 413 with valine.
Molecular consequence: missense variant.
Genome position (GRCh38, 1-based): chr14:50,628,148, T>G. VCF-style: chr14-50628148-T-G. GRCh37 (hg19) VCF-style: chr14-51094866-T-G.
Other names: c.1237T>G, p.Phe413Val (NM_001127713.1, NM_181598.4); short protein forms F413V.
Identifiers: ClinVar variation 2571514 (VCV002571514.2), dbSNP rs2504577368, ClinGen allele CA389675836.

ClinVar aggregate classification (germline): Conflicting classifications of pathogenicity. Review status: no assertion criteria provided (0 of 4 stars). 2 submissions from 2 submitters: Likely pathogenic (1); Uncertain significance (1). Last evaluated 2023-01-30.

Conditions:
Hereditary spastic paraplegia 3A (SPG3A). Also called: SPG3; STRUMPELL DISEASE; SPASTIC PARAPLEGIA 3, AUTOSOMAL DOMINANT; FAMILIAL SPASTIC PARAPLEGIA, AUTOSOMAL DOMINANT, 1; Spastic Paraplegia 3A; Spastic paraplegia 3A, autosomal dominant. Identifiers: Orphanet 100984, MedGen C2931355, MONDO:0008437, OMIM 182600.

Submissions (2):

Department of Rehabilitation, Anhui Provincial Children's Hospital
Classification: Likely pathogenic for Hereditary spastic paraplegia 3A. Last evaluated: 2023-01-30. Review status: no assertion criteria provided. Collection method: clinical testing. Allele origin: de novo. Affected: yes.
Comment: The variant is located within a critical functional domain. Multiple bioinformatic tools predict that this variant is likely to have a deleterious effect on the gene or its product.

Inherited Neuropathy Consortium Ii, University Of Miami
Classification: Uncertain significance for Hereditary spastic paraplegia 3A. Last evaluated: 2016-01-06. Review status: no assertion criteria provided. Collection method: literature only. Allele origin: germline. Affected: yes.

Literature cited by the submitters: PubMed 8981948 (cited by Inherited Neuropathy Consortium Ii, University Of Miami).